The following is an entry in ClinVar:

ClinVar aggregate classification (germline): Uncertain significance. Review status: criteria provided, multiple submitters, no conflicts (2 of 4 stars). 2 submissions from 2 submitters: Uncertain significance (2). Last evaluated 2025-05-05.

Conditions:
Dyskeratosis congenita, autosomal dominant 2. Identifiers: MedGen C3151443, MONDO:0013521, OMIM 613989.
Idiopathic Pulmonary Fibrosis. Also called: Idiopathic fibrosing alveolitis, chronic form; idiopathic fibrosing alveolitis. Identifiers: Orphanet 2032, MedGen C1800706, MeSH D054990, MONDO:0800504.
Dyskeratosis congenita. Identifiers: Orphanet 1775, MedGen C0265965, MONDO:0015780.

Allele frequency attached by ClinVar (database versions not stated): gnomAD exomes below 0.00001.
gnomAD v4.1: 4 of 1,614,166 alleles (0.00025%); highest among the groups gnomAD compares: Non-Finnish European, 0.00034%; no homozygotes.

Submissions (2):

Labcorp Genetics (formerly Invitae), Labcorp
Classification: Uncertain significance for Dyskeratosis congenita, autosomal dominant 2; Idiopathic Pulmonary Fibrosis. Last evaluated: 2025-05-05. Review status: criteria provided, single submitter. Criteria: Invitae Variant Classification Sherloc (09022015). Collection method: clinical testing. Allele origin: germline.
Comment: This sequence change replaces valine, which is neutral and non-polar, with isoleucine, which is neutral and non-polar, at codon 747 of the TERT protein (p.Val747Ile). This variant is not present in population databases (gnomAD no frequency). This variant has not been reported in the literature in individuals affected with TERT-related conditions. ClinVar contains an entry for this variant (Variation ID: 471858). Invitae Evidence Modeling of protein sequence and biophysical properties (such as structural, functional, and spatial information, amino acid conservation, physicochemical variation, residue mobility, and thermodynamic stability) indicates that this missense variant is not expected to disrupt TERT protein function with a negative predictive value of 95%. In summary, the available evidence is currently insufficient to determine the role of this variant in disease. Therefore, it has been classified as a Variant of Uncertain Significance.

Ambry Genetics
Classification: Uncertain significance for Dyskeratosis congenita. Last evaluated: 2023-09-01. Review status: criteria provided, single submitter. Criteria: Ambry Variant Classification Scheme 2023. Collection method: clinical testing. Allele origin: germline.
Comment: The p.V747I variant (also known as c.2239G>A), located in coding exon 6 of the TERT gene, results from a G to A substitution at nucleotide position 2239. The valine at codon 747 is replaced by isoleucine, an amino acid with highly similar properties. This amino acid position is conserved. In addition, this alteration is predicted to be tolerated by in silico analysis. Since supporting evidence is limited at this time, the clinical significance of this alteration remains unclear.

NM_198253.3(TERT):c.2239G>A (p.Val747Ile)

Gene: TERT (telomerase reverse transcriptase; minus strand). Cytogenetic location: 5p15.33.
Variant type: single nucleotide variant.
Coding change: c.2239G>A on transcript NM_198253.3 (MANE Select); coding-DNA position 2239, G replaced by A.
Protein change: p.Val747Ile; replaces valine 747 with isoleucine.
Molecular consequence: missense variant. On other transcripts: non-coding transcript variant (2).
Genome position (GRCh38, 1-based): chr5:1,278,688, C>T on the plus strand (G>A on the coding strand, the complement: TERT is on the minus strand). VCF-style: chr5-1278688-C-T. GRCh37 (hg19) VCF-style: chr5-1278803-C-T.
Other names: c.2239G>A, p.Val747Ile (NM_001193376.3); short protein forms V747I.
Identifiers: ClinVar variation 471858 (VCV000471858.10), dbSNP rs1554040888, ClinGen allele CA359079105.